The following is an entry in ClinVar:

ClinVar aggregate classification (germline): Likely benign (1 of 4 stars; one submission).

Conditions:
TUBA4A-related disorder. Also called: TUBA4A-related condition.

Submission:

PreventionGenetics, part of Exact Sciences
Classification: Likely benign for TUBA4A-related condition. Last evaluated: 2025-02-13. Review status: criteria provided, single submitter. Criteria: ACMG Guidelines, 2015. Collection method: clinical testing. Allele origin: germline.
Comment: This variant is classified as likely benign based on ACMG/AMP sequence variant interpretation guidelines (Richards et al. 2015 PMID: 25741868, with internal and published modifications).

NM_006000.3(TUBA4A):c.1206G>A (p.Arg402=)

Gene: TUBA4A (tubulin alpha 4a; minus strand). Cytogenetic location: 2q35.
Variant type: single nucleotide variant.
Coding change: c.1206G>A on transcript NM_006000.3 (MANE Select); coding-DNA position 1206, G replaced by A.
Protein change: p.Arg402=; no amino-acid change (arginine 402 retained).
Molecular consequence: synonymous variant.
Genome position (GRCh38, 1-based): chr2:219,250,493, C>T on the plus strand (G>A on the coding strand, the complement: TUBA4A is on the minus strand). VCF-style: chr2-219250493-C-T. GRCh37 (hg19) VCF-style: chr2-220115215-C-T.
Other names: c.1161G>A, p.Arg387= (NM_001278552.2).
Identifiers: ClinVar variation 4984625 (VCV004984625.1).